The following is an entry in ClinVar:

NM_005045.4(RELN):c.2860A>G (p.Thr954Ala)

Gene: RELN (reelin; minus strand). Cytogenetic location: 7q22.1.
Variant type: single nucleotide variant.
Coding change: c.2860A>G on transcript NM_005045.4 (MANE Select); coding-DNA position 2860, A replaced by G.
Protein change: p.Thr954Ala; replaces threonine 954 with alanine.
Molecular consequence: missense variant.
Genome position (GRCh38, 1-based): chr7:103,611,646, T>C on the plus strand (A>G on the coding strand, the complement: RELN is on the minus strand). VCF-style: chr7-103611646-T-C. GRCh37 (hg19) VCF-style: chr7-103252093-T-C.
Other names: c.2860A>G, p.Thr954Ala (NM_173054.3); short protein forms T954A.
Identifiers: ClinVar variation 1006256 (VCV001006256.8), dbSNP rs1471834146, ClinGen allele CA368754200.
Genomic context (GRCh38, chr7:103,611,646, plus strand): 5'-CAAGGTTTAAGGAAACTAGACTTACTTCTTGGACGAGGTGCCAGGTAAGGCCGTGGTTGG[T>C]TGAGTACTCCAGCTTCACCTGGTTGTCCATGTGTGGGGTGTATTTCTGGCCACATCCCAT-3'
Protein context (NP_005036.2, residues 944-964): MDNQVKLEYS[Thr954Ala]NHGLTWHLVQ

ClinVar aggregate classification (germline): Uncertain significance (1 of 4 stars; one submission).

Conditions:
Familial temporal lobe epilepsy 7. Identifiers: Orphanet 101046, MedGen C4225327, MONDO:0014639, OMIM 616436.
Norman-Roberts syndrome (LIS2). Also called: Lissencephaly 2 (Norman-Roberts type). Identifiers: Orphanet 89844, MedGen C0796089, MONDO:0009760, OMIM 257320.

Allele frequency attached by ClinVar (database versions not stated): gnomAD exomes below 0.00001; TOPMed below 0.00001; gnomAD 0.00001.
gnomAD v4.1: 2 of 1,613,720 alleles (0.00012%); highest among the groups gnomAD compares: African/African-American, 0.0027%; no homozygotes.

Submission:

Labcorp Genetics (formerly Invitae), Labcorp
Classification: Uncertain significance for Familial temporal lobe epilepsy 7; Norman-Roberts syndrome. Last evaluated: 2022-08-10. Review status: criteria provided, single submitter. Criteria: Invitae Variant Classification Sherloc (09022015). Collection method: clinical testing. Allele origin: germline.
Comment: In summary, the available evidence is currently insufficient to determine the role of this variant in disease. Therefore, it has been classified as a Variant of Uncertain Significance. Algorithms developed to predict the effect of missense changes on protein structure and function output the following: SIFT: "Tolerated"; PolyPhen-2: "Benign"; Align-GVGD: "Class C0". The alanine amino acid residue is found in multiple mammalian species, which suggests that this missense change does not adversely affect protein function. ClinVar contains an entry for this variant (Variation ID: 1006256). This variant has not been reported in the literature in individuals affected with RELN-related conditions. This variant is not present in population databases (gnomAD no frequency). This sequence change replaces threonine, which is neutral and polar, with alanine, which is neutral and non-polar, at codon 954 of the RELN protein (p.Thr954Ala).